The following is an entry in ClinVar:

NM_000051.4(ATM):c.6007-12C>T

Genes: ATM (ATM serine/threonine kinase; plus strand), C11orf65 (chromosome 11 open reading frame 65; minus strand). Cytogenetic location: 11q22.3.
Variant type: single nucleotide variant.
Coding change: c.6007-12C>T on transcript NM_000051.4 (MANE Select); 12 bases into the intron before coding-DNA position 6007, C replaced by T.
Molecular consequence: intron variant.
Genome position (GRCh38, 1-based): chr11:108,315,811, C>T. VCF-style: chr11-108315811-C-T. GRCh37 (hg19) VCF-style: chr11-108186538-C-T.
Other names: c.6007-12C>T (NM_001351834.2); c.641-6740G>A (NM_001330368.2); c.*39-6740G>A (NM_001351110.2).
Identifiers: ClinVar variation 3253973 (VCV003253973.1), dbSNP rs760827968.

ClinVar aggregate classification (germline): Likely benign (1 of 4 stars; one submission).

Conditions:
Familial cancer of breast. Also called: hereditary breast carcinoma; BREAST CANCER, FAMILIAL; Hereditary breast cancer. Identifiers: Orphanet 227535, MedGen C0346153, MONDO:0016419, OMIM 114480. Disease mechanism: loss of function.

Allele frequency attached by ClinVar (database versions not stated): gnomAD exomes below 0.00001; ExAC 0.00001.
gnomAD v4.1: 3 of 1,603,270 alleles (0.00019%); highest among the groups gnomAD compares: South Asian, 0.0011%; no homozygotes.

Submission:

Myriad Genetics, Inc.
Classification: Likely benign for Familial cancer of breast. Last evaluated: 2024-05-28. Review status: criteria provided, single submitter. Criteria: Myriad Autosomal Dominant, Autosomal Recessive and X-Linked Classification Criteria (2023). Collection method: clinical testing. Allele origin: unknown.
Comment: This variant is considered likely benign. This variant is intronic and is not expected to impact mRNA splicing.